The following is an entry in ClinVar:

NM_000051.4(ATM):c.7061C>G (p.Ala2354Gly)

Genes: ATM (ATM serine/threonine kinase; plus strand), C11orf65 (chromosome 11 open reading frame 65; minus strand). Cytogenetic location: 11q22.3.
Variant type: single nucleotide variant.
Coding change: c.7061C>G on transcript NM_000051.4 (MANE Select); coding-DNA position 7061, C replaced by G.
Protein change: p.Ala2354Gly; replaces alanine 2354 with glycine.
Molecular consequence: missense variant. On other transcripts: intron variant (2).
Genome position (GRCh38, 1-based): chr11:108,327,730, C>G. VCF-style: chr11-108327730-C-G. GRCh37 (hg19) VCF-style: chr11-108198457-C-G.
Other names: c.7061C>G, p.Ala2354Gly (NM_001351834.2); c.641-18659G>C (NM_001330368.2); c.*38+7490G>C (NM_001351110.2); short protein forms A2354G.
Identifiers: ClinVar variation 1756958 (VCV001756958.2), dbSNP rs1555121079, ClinGen allele CA382559036.

ClinVar aggregate classification (germline): Uncertain significance (1 of 4 stars; one submission).

Conditions:
Hereditary cancer-predisposing syndrome. Also called: Hereditary neoplastic syndrome; Neoplastic Syndromes, Hereditary; Tumor predisposition; Hereditary Cancer Syndrome. Identifiers: Orphanet 140162, MedGen C0027672, MeSH D009386, MONDO:0015356.

Submission:

Ambry Genetics
Classification: Uncertain significance for Hereditary cancer-predisposing syndrome. Last evaluated: 2021-12-01. Review status: criteria provided, single submitter. Criteria: Ambry Variant Classification Scheme 2023. Collection method: clinical testing. Allele origin: germline.
Comment: The p.A2354G variant (also known as c.7061C>G), located in coding exon 47 of the ATM gene, results from a C to G substitution at nucleotide position 7061. The alanine at codon 2354 is replaced by glycine, an amino acid with similar properties. This amino acid position is conserved. In addition, this alteration is predicted to be tolerated by in silico analysis. Since supporting evidence is limited at this time, the clinical significance of this alteration remains unclear.